The following is an entry in ClinVar:

NM_207346.3(TSEN54):c.1035G>C (p.Lys345Asn)

Gene: TSEN54 (tRNA splicing endonuclease subunit 54; plus strand). Cytogenetic location: 17q25.1.
Variant type: single nucleotide variant.
Coding change: c.1035G>C on transcript NM_207346.3 (MANE Select); coding-DNA position 1035, G replaced by C.
Protein change: p.Lys345Asn; replaces lysine 345 with asparagine.
Molecular consequence: missense variant.
Genome position (GRCh38, 1-based): chr17:75,522,116, G>C. VCF-style: chr17-75522116-G-C. GRCh37 (hg19) VCF-style: chr17-73518197-G-C.
Other names: short protein forms K345N.
Identifiers: ClinVar variation 287549 (VCV000287549.7), dbSNP rs376308638, ClinGen allele CA8764326.

ClinVar aggregate classification (germline): Uncertain significance. Review status: criteria provided, multiple submitters, no conflicts (2 of 4 stars). 3 submissions from 3 submitters: Uncertain significance (3). Last evaluated 2024-06-28.

Conditions:
Pontocerebellar hypoplasia type 2A (PCH2A). Also called: PONTOCEREBELLAR HYPOPLASIA WITH PROGRESSIVE CEREBRAL ATROPHY; VOLENDAM NEURODEGENERATIVE DISEASE. Identifiers: Orphanet 2524, MedGen C1848526, MONDO:0010190, OMIM 277470.
Inborn genetic diseases. Identifiers: MedGen C0950123, MeSH D030342.

Allele frequency attached by ClinVar (database versions not stated): gnomAD exomes 0.00001 and 0.00003; ExAC 0.00007; gnomAD 0.00007; TOPMed 0.00007; ESP Exome Variant Server 0.00015.
gnomAD v4.1: 30 of 1,579,418 alleles (0.0019%); highest among the groups gnomAD compares: African/African-American, 0.02%; no homozygotes.

Submissions (3):

Ambry Genetics
Classification: Uncertain significance for Inborn genetic diseases. Last evaluated: 2024-06-28. Review status: criteria provided, single submitter. Criteria: Ambry Variant Classification Scheme 2023. Collection method: clinical testing. Allele origin: germline.

Baylor Genetics
Classification: Uncertain significance for Pontocerebellar hypoplasia type 2A. Last evaluated: 2019-11-08. Review status: criteria provided, single submitter. Criteria: ACMG Guidelines, 2015. Collection method: clinical testing. Allele origin: unknown. Affected: yes.
Comment: This variant was determined to be of uncertain significance according to ACMG Guidelines, 2015 [PMID:25741868].

Eurofins Ntd Llc (ga)
Classification: Uncertain significance. Last evaluated: 2016-05-11. Review status: criteria provided, single submitter. Criteria: EGL Classification Definitions 2015. Collection method: clinical testing. Allele origin: germline. Observed: 1 variant allele, 1 heterozygote.